The following is an entry in ClinVar:

NM_001267550.2(TTN):c.7468C>A (p.Arg2490Ser)

Genes: TTN (titin; minus strand), LOC126806433 (BRD4-independent group 4 enhancer GRCh37_chr2:179638309-179639508; plus strand). Cytogenetic location: 2q31.2.
Variant type: single nucleotide variant.
Coding change: c.7468C>A on transcript NM_001267550.2 (MANE Select); coding-DNA position 7468, C replaced by A.
Protein change: p.Arg2490Ser; replaces arginine 2490 with serine.
Molecular consequence: missense variant.
Genome position (GRCh38, 1-based): chr2:178,773,588, G>T on the plus strand (C>A on the coding strand, the complement: TTN is on the minus strand). VCF-style: chr2-178773588-G-T. GRCh37 (hg19) VCF-style: chr2-179638315-G-T.
Other names: c.7468C>A, p.Arg2490Ser (NM_001256850.1, NM_133378.4, NM_133379.5); c.7330C>A, p.Arg2444Ser (NM_003319.4, NM_133432.3, NM_133437.4); short protein forms R2490S, R2444S.
Identifiers: ClinVar variation 671276 (VCV000671276.1), dbSNP rs200131545, ClinGen allele CA349680219.

ClinVar aggregate classification (germline): Likely benign (1 of 4 stars; one submission).

Submission:

GeneDx
Classification: Likely benign. Last evaluated: 2018-06-11. Review status: criteria provided, single submitter. Criteria: GeneDx Variant Classification (06012015). Collection method: clinical testing. Allele origin: germline. Affected: yes.
Comment: This variant is considered likely benign or benign based on one or more of the following criteria: it is a conservative change, it occurs at a poorly conserved position in the protein, it is predicted to be benign by multiple in silico algorithms, and/or has population frequency not consistent with disease.